The following is an entry in ClinVar:

NM_000059.4(BRCA2):c.4965_4968del (p.Cys1654_Tyr1655insTer)

Gene: BRCA2 (BRCA2 DNA repair associated; plus strand). Cytogenetic location: 13q13.1.
Variant type: Deletion.
Coding change: c.4965_4968del on transcript NM_000059.4 (MANE Select); coding-DNA positions 4965 to 4968, 4 bases deleted (CACA; older notation c.4965_4968delCACA).
Protein change: p.Cys1654_Tyr1655insTer.
Molecular consequence: nonsense. On other transcripts: non-coding transcript variant (1), intron variant (2).
Genome position (GRCh38, 1-based): chr13:32,339,320-32,339,323, CACA deleted; deleting any 4 consecutive bases within chr13:32,339,319-32,339,323 gives the same sequence; the c. name uses the placement nearest the transcript's 3' end. VCF-style (leftmost placement, unchanged base first): chr13-32339318-TACAC-T. GRCh37 (hg19) VCF-style: chr13-32913455-TACAC-T.
Other names: c.4965_4968del, p.Cys1654_Tyr1655insTer (NM_001406719.1, NM_001406720.1); c.1910-5238_1910-5235del (NM_001406721.1); c.425-5238_425-5235del (NM_001406722.1).
Identifiers: ClinVar variation 2825741 (VCV002825741.3), dbSNP rs2548529699, ClinGen allele CA2739277588.
Genomic context (GRCh38, chr13:32,339,318, plus strand): 5'-TTGAAAGTTAAAGTACATGAAAATGTAGAAAAAGAAACAGCAAAAAGTCCTGCAACTTGT[TACAC>T]AAATCAGTCCCCTTATTCAGTCATTGAAAATTCAGCCTTAGCTTTTTACACAAGTTGTAG-3'

ClinVar aggregate classification (germline): Pathogenic (1 of 4 stars; one submission).

Conditions:
Hereditary breast ovarian cancer syndrome. Also called: Hereditary breast and/or ovarian cancer syndrome; Hereditary breast and ovarian cancer; Hereditary breast and ovarian cancer syndrome; Breast and ovarian cancer; Hereditary breast and ovarian cancer syndrome (HBOC); BRCA1- and BRCA2-Associated Hereditary Breast and Ovarian Cancer. Identifiers: Orphanet 145, MedGen C0677776, MeSH D061325, MONDO:0003582. Disease mechanism: loss of function.

Submission:

Labcorp Genetics (formerly Invitae), Labcorp
Classification: Pathogenic for Hereditary breast ovarian cancer syndrome. Last evaluated: 2023-01-01. Review status: criteria provided, single submitter. Criteria: Invitae Variant Classification Sherloc (09022015). Collection method: clinical testing. Allele origin: germline.
Comment: For these reasons, this variant has been classified as Pathogenic. This premature translational stop signal has been observed in individual(s) with breast and ovarian cancer (PMID: 27836010, 28724667, 29487695). This variant is not present in population databases (gnomAD no frequency). This sequence change creates a premature translational stop signal (p.Tyr1655*) in the BRCA2 gene. It is expected to result in an absent or disrupted protein product. Loss-of-function variants in BRCA2 are known to be pathogenic (PMID: 20104584).

Literature cited by the submitters: PubMed 27836010; PubMed 28724667; PubMed 29487695; PubMed 20104584.